The following is an entry in ClinVar:

ClinVar aggregate classification (germline): Uncertain significance (1 of 4 stars; one submission).

Conditions:
Perlman syndrome (PRLMNS). Identifiers: Orphanet 2849, MedGen C0796113, MONDO:0009965, OMIM 267000.

Allele frequency attached by ClinVar (database versions not stated): gnomAD exomes below 0.00001.
gnomAD v4.1: 1 of 1,550,678 alleles (0.000064%); highest among the groups gnomAD compares: Non-Finnish European, 0.000087%; no homozygotes.

Submission:

Labcorp Genetics (formerly Invitae), Labcorp
Classification: Uncertain significance for Perlman syndrome. Last evaluated: 2019-10-28. Review status: criteria provided, single submitter. Criteria: Invitae Variant Classification Sherloc (09022015). Collection method: clinical testing. Allele origin: germline.
Comment: This sequence change replaces lysine with glutamine at codon 809 of the DIS3L2 protein (p.Lys809Gln). The lysine residue is moderately conserved and there is a small physicochemical difference between lysine and glutamine. In summary, this variant is a novel missense change that is not predicted to affect protein function. There is no indication that it causes disease, but the available evidence is currently insufficient to prove that conclusively. Therefore, it has been classified as a Variant of Uncertain Significance. Algorithms developed to predict the effect of missense changes on protein structure and function (SIFT, PolyPhen-2, Align-GVGD) all suggest that this variant is likely to be tolerated, but these predictions have not been confirmed by published functional studies. This variant is not present in population databases (ExAC no frequency) and has not been reported in the literature in individuals with a DIS3L2-related disease.

NM_152383.5(DIS3L2):c.2425A>C (p.Lys809Gln)

Gene: DIS3L2 (DIS3 like 3'-5' exoribonuclease 2; plus strand). Cytogenetic location: 2q37.1.
Variant type: single nucleotide variant.
Coding change: c.2425A>C on transcript NM_152383.5 (MANE Select); coding-DNA position 2425, A replaced by C.
Protein change: p.Lys809Gln; replaces lysine 809 with glutamine.
Molecular consequence: missense variant. On other transcripts: non-coding transcript variant (2), intron variant (1).
Genome position (GRCh38, 1-based): chr2:232,335,803, A>C. VCF-style: chr2-232335803-A-C. GRCh37 (hg19) VCF-style: chr2-233200513-A-C.
Other names: c.1582-7542A>C (NM_001257281.2); short protein forms K809Q.
Identifiers: ClinVar variation 410758 (VCV000410758.10), dbSNP rs1060503032, ClinGen allele CA16610655.